The following is an entry in ClinVar:

ClinVar aggregate classification (germline): Uncertain significance. Review status: criteria provided, multiple submitters, no conflicts (2 of 4 stars). 2 submissions from 2 submitters: Uncertain significance (2). Last evaluated 2022-10-17.

Conditions:
Autosomal recessive ataxia, Beauce type. Also called: SYNE1-Related Autosomal Recessive Cerebellar Ataxia; Spinocerebellar ataxia, autosomal recessive 8; ATAXIA, RECESSIVE, OF BEAUCE; SYNE1 Deficiency. Identifiers: Orphanet 88644, MedGen C1853116, MONDO:0012549, OMIM 610743.
Emery-Dreifuss muscular dystrophy 4, autosomal dominant (EDMD4). Also called: EMERY-DREIFUSS MUSCULAR DYSTROPHY 4 WITH VARIABLE FEATURES. Identifiers: Orphanet 261, MedGen C2751807, MONDO:0013071, OMIM 612998.

Allele frequency attached by ClinVar (database versions not stated): gnomAD 0.00001; gnomAD exomes 0.00001; TOPMed 0.00001; ExAC 0.00002.

Submissions (2):

Labcorp Genetics (formerly Invitae), Labcorp
Classification: Uncertain significance for Emery-Dreifuss muscular dystrophy 4, autosomal dominant; Autosomal recessive ataxia, Beauce type. Last evaluated: 2022-10-17. Review status: criteria provided, single submitter. Criteria: Invitae Variant Classification Sherloc (09022015). Collection method: clinical testing. Allele origin: germline.
Comment: In summary, the available evidence is currently insufficient to determine the role of this variant in disease. Therefore, it has been classified as a Variant of Uncertain Significance. Algorithms developed to predict the effect of missense changes on protein structure and function output the following: SIFT: "Tolerated"; PolyPhen-2: "Benign"; Align-GVGD: "Class C0". The valine amino acid residue is found in multiple mammalian species, which suggests that this missense change does not adversely affect protein function. This variant has not been reported in the literature in individuals affected with SYNE1-related conditions. This variant is present in population databases (rs764669526, gnomAD 0.01%). This sequence change replaces isoleucine, which is neutral and non-polar, with valine, which is neutral and non-polar, at codon 4121 of the SYNE1 protein (p.Ile4121Val).

Revvity Omics, Revvity
Classification: Uncertain significance. Last evaluated: 2019-07-29. Review status: criteria provided, single submitter. Criteria: ACMG Guidelines, 2015. Collection method: clinical testing. Allele origin: germline.

NM_182961.4(SYNE1):c.12574A>G (p.Ile4192Val)

Gene: SYNE1 (spectrin repeat containing nuclear envelope protein 1; minus strand). Cytogenetic location: 6q25.2.
Variant type: single nucleotide variant.
Coding change: c.12574A>G on transcript NM_182961.4 (MANE Select); coding-DNA position 12574, A replaced by G.
Protein change: p.Ile4192Val; replaces isoleucine 4192 with valine.
Molecular consequence: missense variant.
Genome position (GRCh38, 1-based): chr6:152,334,228, T>C on the plus strand (A>G on the coding strand, the complement: SYNE1 is on the minus strand). VCF-style: chr6-152334228-T-C. GRCh37 (hg19) VCF-style: chr6-152655363-T-C.
Other names: c.12361A>G, p.Ile4121Val (NM_033071.5); short protein forms I4121V, I4192V.
Identifiers: ClinVar variation 2146337 (VCV002146337.7), dbSNP rs764669526, ClinGen allele CA4056355.